The following is an entry in ClinVar:

NM_024426.6(WT1):c.66G>T (p.Thr22=)

Genes: WT1 (WT1 transcription factor; minus strand), LOC107982234 (WT1/WT1-AS bi-directional promoter region; plus strand). Cytogenetic location: 11p13.
Variant type: single nucleotide variant.
Coding change: c.66G>T on transcript NM_024426.6 (MANE Select); coding-DNA position 66, G replaced by T.
Protein change: p.Thr22=; no amino-acid change (threonine 22 retained).
Molecular consequence: synonymous variant. On other transcripts: non-coding transcript variant (1).
Genome position (GRCh38, 1-based): chr11:32,435,295, C>A on the plus strand (G>T on the coding strand, the complement: WT1 is on the minus strand). VCF-style: chr11-32435295-C-A. GRCh37 (hg19) VCF-style: chr11-32456841-C-A.
Other names: c.66G>T, p.Thr22= (NM_000378.6, NM_024424.5); c.51G>T (NM_024426.4).
Identifiers: ClinVar variation 1534604 (VCV001534604.10), dbSNP rs1214646426, ClinGen allele CA473773392.

ClinVar aggregate classification (germline): Conflicting classifications of pathogenicity. Review status: criteria provided, conflicting classifications (1 of 4 stars). 3 submissions from 3 submitters: Uncertain significance (1); Likely benign (2). Last evaluated 2025-10-23.

Conditions:
Wilms tumor 1 (WT1). Also called: Wilms tumor, somatic. Identifiers: Orphanet 654, MedGen CN033288, MONDO:0008679, OMIM 194070.
11p partial monosomy syndrome (WAGR). Also called: WAGR Spectrum Disorder; WAGR Complex; CHROMOSOME 11p13 DELETION SYNDROME; WAGR syndrome. Identifiers: Orphanet 893, MedGen C0206115, MONDO:0008681, OMIM 194072.
Drash syndrome (DDS). Also called: NEPHROPATHY, WILMS TUMOR, AND GENITAL ANOMALIES; WILMS TUMOR AND PSEUDO- OR TRUE HERMAPHRODITISM. Identifiers: Orphanet 220, MedGen C0950121, MONDO:0008682, OMIM 194080.
Frasier syndrome. Identifiers: Orphanet 347, MedGen C0950122, MeSH D052159, MONDO:0007635, OMIM 136680.
Inborn genetic diseases. Identifiers: MedGen C0950123, MeSH D030342.
Hereditary cancer-predisposing syndrome. Also called: Hereditary Cancer Syndrome; Neoplastic Syndromes, Hereditary; Tumor predisposition; Hereditary neoplastic syndrome. Identifiers: Orphanet 140162, MedGen C0027672, MeSH D009386, MONDO:0015356.

Allele frequency attached by ClinVar (database versions not stated): TOPMed below 0.00001.
gnomAD v4.1: 2 of 1,533,448 alleles (0.00013%); highest among the groups gnomAD compares: Non-Finnish European, 0.000087%; no homozygotes.

Submissions (3):

Labcorp Genetics (formerly Invitae), Labcorp
Classification: Likely benign for Wilms tumor 1; Drash syndrome; 11p partial monosomy syndrome; Frasier syndrome. Last evaluated: 2025-10-23. Review status: criteria provided, single submitter. Criteria: Invitae Variant Classification Sherloc (09022015). Collection method: clinical testing. Allele origin: germline.

Ambry Genetics
Classification: Likely benign for Inborn genetic diseases. Last evaluated: 2024-12-12. Review status: criteria provided, single submitter. Criteria: Ambry Variant Classification Scheme 2023. Collection method: clinical testing. Allele origin: germline.

Sema4
Classification: Uncertain significance for Hereditary cancer-predisposing syndrome. Last evaluated: 2021-12-22. Review status: criteria provided, single submitter. Criteria: Sema4 Curation Guidelines. Collection method: curation. Allele origin: germline.
Comment: The WT1 c.51G>T (p.T17=) variant has not been reported in the literature to our knowledge. It was not observed in the large and broad cohorts of the Genome Aggregation Database (PMID: 32461654). This variant has not been reported in ClinVar. The nucleotide is moderately conserved and in silico tools that predict the effect of sequence changes on splicing suggest that this variant may not impact splicing, though these predictions have not been confirmed by functional studies. The evidence is insufficient to meet ACMG/AMP criteria for classifying the variant as benign or pathogenic. Thus, the clinical significance of this variant is currently uncertain.